The following is an entry in ClinVar:

NM_020458.4(TTC7A):c.1960A>G (p.Met654Val)

Gene: TTC7A (tetratricopeptide repeat domain 7A; plus strand). Cytogenetic location: 2p21.
Variant type: single nucleotide variant.
Coding change: c.1960A>G on transcript NM_020458.4 (MANE Select); coding-DNA position 1960, A replaced by G.
Protein change: p.Met654Val; replaces methionine 654 with valine.
Molecular consequence: missense variant.
Genome position (GRCh38, 1-based): chr2:47,049,989, A>G. VCF-style: chr2-47049989-A-G. GRCh37 (hg19) VCF-style: chr2-47277128-A-G.
Other names: c.2032A>G, p.Met678Val (NM_001288951.2); c.1858A>G, p.Met620Val (NM_001288953.2); c.898A>G, p.Met300Val (NM_001288955.2); short protein forms M654V, M300V, M620V, M678V.
Identifiers: ClinVar variation 1435311 (VCV001435311.5), dbSNP rs750008360, ClinGen allele CA1647950.

ClinVar aggregate classification (germline): Uncertain significance (1 of 4 stars; one submission).

Conditions:
Multiple gastrointestinal atresias. Also called: Multiple intestinal atresia; FAMILIAL INTESTINAL POLYATRESIA SYNDROME. Identifiers: Orphanet 2300, MedGen C0220744, MONDO:0009465.

Allele frequency attached by ClinVar (database versions not stated): ExAC 0.00001; gnomAD 0.00001; gnomAD exomes 0.00001 and 0.00002; TOPMed 0.00001.
gnomAD v4.1: 11 of 1,614,066 alleles (0.00068%); highest among the groups gnomAD compares: Middle Eastern, 0.016%; no homozygotes.

Submission:

Labcorp Genetics (formerly Invitae), Labcorp
Classification: Uncertain significance for Multiple gastrointestinal atresias. Last evaluated: 2022-05-29. Review status: criteria provided, single submitter. Criteria: Invitae Variant Classification Sherloc (09022015). Collection method: clinical testing. Allele origin: germline.
Comment: This sequence change replaces methionine, which is neutral and non-polar, with valine, which is neutral and non-polar, at codon 654 of the TTC7A protein (p.Met654Val). This variant is present in population databases (rs750008360, gnomAD 0.003%). This variant has not been reported in the literature in individuals affected with TTC7A-related conditions. ClinVar contains an entry for this variant (Variation ID: 1435311). Algorithms developed to predict the effect of missense changes on protein structure and function output the following: SIFT: "Tolerated"; PolyPhen-2: "Benign"; Align-GVGD: "Class C0". The valine amino acid residue is found in multiple mammalian species, which suggests that this missense change does not adversely affect protein function. In summary, the available evidence is currently insufficient to determine the role of this variant in disease. Therefore, it has been classified as a Variant of Uncertain Significance.